The following is an entry in ClinVar:

NM_032898.5(CEP19):c.169C>T (p.Arg57Ter)

Gene: CEP19 (centrosomal protein 19; minus strand). Cytogenetic location: 3q29.
Variant type: single nucleotide variant.
Coding change: c.169C>T on transcript NM_032898.5 (MANE Select); coding-DNA position 169, C replaced by T.
Protein change: p.Arg57Ter; replaces arginine 57 with a stop codon.
Molecular consequence: nonsense.
Genome position (GRCh38, 1-based): chr3:196,707,874, G>A on the plus strand (C>T on the coding strand, the complement: CEP19 is on the minus strand). VCF-style: chr3-196707874-G-A. GRCh37 (hg19) VCF-style: chr3-196434745-G-A.
Other names: c.64C>T, p.Arg22Ter (NM_001379468.1); c.169C>T, p.Arg57Ter (NM_001379469.1, NM_001379470.1); short protein forms R57*, R22*.
Identifiers: ClinVar variation 934235 (VCV000934235.6), dbSNP rs776649604, ClinGen allele CA2782130.

ClinVar aggregate classification (germline): Uncertain significance (1 of 4 stars; one submission).

Allele frequency attached by ClinVar (database versions not stated): ExAC 0.00001; gnomAD exomes 0.00001.

Submission:

Labcorp Genetics (formerly Invitae), Labcorp
Classification: Uncertain significance. Last evaluated: 2023-12-11. Review status: criteria provided, single submitter. Criteria: Invitae Variant Classification Sherloc (09022015). Collection method: clinical testing. Allele origin: germline.
Comment: This sequence change creates a premature translational stop signal (p.Arg61*) in the CEP19 gene. While this is not anticipated to result in nonsense mediated decay, it is expected to disrupt the last 107 amino acid(s) of the CEP19 protein. This variant is present in population databases (rs776649604, gnomAD 0.003%). This variant has not been reported in the literature in individuals affected with CEP19-related conditions. ClinVar contains an entry for this variant (Variation ID: 934235). Experimental studies and prediction algorithms are not available or were not evaluated, and the functional significance of this variant is currently unknown. In summary, the available evidence is currently insufficient to determine the role of this variant in disease. Therefore, it has been classified as a Variant of Uncertain Significance.